The following is an entry in ClinVar:

ClinVar aggregate classification (germline): Conflicting classifications of pathogenicity. Review status: criteria provided, conflicting classifications (1 of 4 stars). 4 submissions from 4 submitters: Uncertain significance (2); Likely benign (1). 1 of the submissions does not count toward it. Last evaluated 2021-09-15.

Conditions:
Hereditary nonpolyposis colorectal neoplasms. Identifiers: MedGen C0009405, MeSH D003123.
Hereditary cancer-predisposing syndrome. Also called: Neoplastic Syndromes, Hereditary; Tumor predisposition; Hereditary Cancer Syndrome; Hereditary neoplastic syndrome. Identifiers: Orphanet 140162, MedGen C0027672, MeSH D009386, MONDO:0015356.

Submissions (4):

Labcorp Genetics (formerly Invitae), Labcorp
Classification: Uncertain significance for Hereditary nonpolyposis colorectal neoplasms. Last evaluated: 2021-09-15. Review status: criteria provided, single submitter. Criteria: Invitae Variant Classification Sherloc (09022015). Collection method: clinical testing. Allele origin: germline.
Comment: This sequence change replaces aspartic acid with asparagine at codon 599 of the PMS2 protein (p.Asp599Asn). The aspartic acid residue is weakly conserved and there is a small physicochemical difference between aspartic acid and asparagine. This variant is not present in population databases (ExAC no frequency). This variant has not been reported in the literature in individuals affected with PMS2-related conditions. Algorithms developed to predict the effect of missense changes on protein structure and function output the following: SIFT: "Tolerated"; PolyPhen-2: "Benign"; Align-GVGD: "Class C0". The asparagine amino acid residue is found in multiple mammalian species, which suggests that this missense change does not adversely affect protein function. In summary, the available evidence is currently insufficient to determine the role of this variant in disease. Therefore, it has been classified as a Variant of Uncertain Significance.

Color Diagnostics, LLC DBA Color Health
Classification: Uncertain significance for Hereditary cancer-predisposing syndrome. Last evaluated: 2020-05-26. Review status: criteria provided, single submitter. Criteria: ACMG Guidelines, 2015. Collection method: clinical testing. Allele origin: germline.
Comment: This missense variant replaces aspartic acid with asparagine at codon 599 of the PMS2 protein. Computational prediction suggests that this variant may not impact protein structure and function (internally defined REVEL score threshold <= 0.5, PMID: 27666373). To our knowledge, functional studies have not been reported for this variant. This variant has not been reported in individuals affected with hereditary cancer in the literature. This variant has been identified in 1/246248 chromosomes in the general population by the Genome Aggregation Database (gnomAD). The available evidence is insufficient to determine the role of this variant in disease conclusively. Therefore, this variant is classified as a Variant of Uncertain Significance.

Ambry Genetics
Classification: Likely benign for Hereditary cancer-predisposing syndrome. Last evaluated: 2019-05-22. Review status: criteria provided, single submitter. Criteria: Ambry Variant Classification Scheme 2023. Collection method: clinical testing. Allele origin: germline.

Department of Pathology and Laboratory Medicine, Sinai Health System
Classification: Uncertain significance. Review status: no assertion criteria provided. Collection method: clinical testing. Allele origin: unknown. Affected: yes. Study: The Canadian Open Genetics Repository (COGR). Not counted in ClinVar's aggregate classification.
Comment: The PMS2 p.Asp599Asn variant was not identified in the literature nor was it identified in the ClinVar database. The variant was identified in dbSNP (rs1380574195) as â€šÃ„ÃºNAâ€šÃ„Ã¹. The variant was identified in control databases in 1 of 251,444 chromosomes at a frequency of 0.000004 (Genome Aggregation Database Feb 27, 2017). The variant was observed in the Ashkenazi Jewish population in 1 of 10,076 chromosomes (freq: 0.0001), while it was not observed in the African, Latino, East Asian, Finnish, European, Other or South Asian populations. The p.Asp599 residue is not conserved in mammals and computational analyses (PolyPhen-2, SIFT, AlignGVGD, BLOSUM, MutationTaster) do not suggest a high likelihood of impact to the protein; however, this information is not predictive enough to rule out pathogenicity. The variant occurs outside of the splicing consensus sequence and in silico or computational prediction software programs (SpliceSiteFinder, MaxEntScan, NNSPLICE, GeneSplicer) do not predict a difference in splicing. In summary, based on the above information, the clinical significance of this variant cannot be determined with certainty at this time. This variant is classified as a variant of uncertain significance.

NM_000535.7(PMS2):c.1795G>A (p.Asp599Asn)

Gene: PMS2 (PMS1 homolog 2, mismatch repair system component; minus strand). Cytogenetic location: 7p22.1.
Variant type: single nucleotide variant.
Coding change: c.1795G>A on transcript NM_000535.7 (MANE Select); coding-DNA position 1795, G replaced by A.
Protein change: p.Asp599Asn; replaces aspartic acid 599 with asparagine.
Molecular consequence: missense variant. On other transcripts: non-coding transcript variant (1).
Genome position (GRCh38, 1-based): chr7:5,986,970, C>T on the plus strand (G>A on the coding strand, the complement: PMS2 is on the minus strand). VCF-style: chr7-5986970-C-T. GRCh37 (hg19) VCF-style: chr7-6026601-C-T.
Other names: c.1390G>A, p.Asp464Asn (NM_001322003.2, NM_001322004.2, NM_001322005.2 and 1 more transcripts); c.1639G>A, p.Asp547Asn (NM_001322006.2); c.1477G>A, p.Asp493Asn (NM_001322007.2, NM_001322008.2); c.1234G>A, p.Asp412Asn (NM_001322010.2); c.862G>A, p.Asp288Asn (NM_001322011.2, NM_001322012.2); c.1222G>A, p.Asp408Asn (NM_001322013.2); c.1795G>A, p.Asp599Asn (NM_001322014.2); c.1486G>A, p.Asp496Asn (NM_001322015.2); short protein forms D288N, D412N, D464N, D493N, D496N, D547N, D599N, D408N.
Identifiers: ClinVar variation 820062 (VCV000820062.11), dbSNP rs1380574195, ClinGen allele CA366739818.